The following is an entry in ClinVar:

NM_152383.5(DIS3L2):c.1693G>A (p.Gly565Arg)

Gene: DIS3L2 (DIS3 like 3'-5' exoribonuclease 2; plus strand). Cytogenetic location: 2q37.1.
Variant type: single nucleotide variant.
Coding change: c.1693G>A on transcript NM_152383.5 (MANE Select); coding-DNA position 1693, G replaced by A.
Protein change: p.Gly565Arg; replaces glycine 565 with arginine.
Molecular consequence: missense variant. On other transcripts: non-coding transcript variant (2), intron variant (1).
Genome position (GRCh38, 1-based): chr2:232,300,073, G>A. VCF-style: chr2-232300073-G-A. GRCh37 (hg19) VCF-style: chr2-233164783-G-A.
Other names: c.1581+36711G>A (NM_001257281.2); short protein forms G565R.
Identifiers: ClinVar variation 410748 (VCV000410748.13), dbSNP rs770702636, ClinGen allele CA2164239.

ClinVar aggregate classification (germline): Conflicting classifications of pathogenicity. Review status: criteria provided, conflicting classifications (1 of 4 stars). 4 submissions from 4 submitters: Uncertain significance (3); Likely benign (1). Last evaluated 2025-12-26.

Conditions:
Inborn genetic diseases. Identifiers: MedGen C0950123, MeSH D030342.
Perlman syndrome (PRLMNS). Identifiers: Orphanet 2849, MedGen C0796113, MONDO:0009965, OMIM 267000.

Allele frequency attached by ClinVar (database versions not stated): ExAC 0.00003; gnomAD 0.00004 and 0.00003; gnomAD exomes 0.00001 and 0.00003; TOPMed 0.00004.
gnomAD v4.1: 26 of 1,613,756 alleles (0.0016%); highest among the groups gnomAD compares: South Asian, 0.0044%; no homozygotes.

Submissions (4):

Dasa
Classification: Likely benign. Last evaluated: 2025-12-26. Review status: criteria provided, single submitter. Criteria: DASA Assertion Criteria. Collection method: clinical testing. Allele origin: germline.
Comment: NM_152383.5(DIS3L2):c.1693G>A (p.Gly565Arg) is a missense variant that results in the substitution of glycine with arginine. Multiple computational predictions suggest no deleterious effect on the gene or gene product. The variant is present at low frequency in population datasets. Based on the available data, this variant is classified as likely benign.

GeneDx
Classification: Uncertain significance. Last evaluated: 2025-06-02. Review status: criteria provided, single submitter. Criteria: GeneDx Variant Classification Process June 2021. Collection method: clinical testing. Allele origin: germline. Affected: yes.
Comment: In silico analysis supports that this missense variant has a deleterious effect on protein structure/function; Has not been previously published as pathogenic or benign to our knowledge

Labcorp Genetics (formerly Invitae), Labcorp
Classification: Uncertain significance for Perlman syndrome. Last evaluated: 2024-05-22. Review status: criteria provided, single submitter. Criteria: Invitae Variant Classification Sherloc (09022015). Collection method: clinical testing. Allele origin: germline.
Comment: This sequence change replaces glycine, which is neutral and non-polar, with arginine, which is basic and polar, at codon 565 of the DIS3L2 protein (p.Gly565Arg). This variant is present in population databases (rs770702636, gnomAD 0.005%). This variant has not been reported in the literature in individuals affected with DIS3L2-related conditions. ClinVar contains an entry for this variant (Variation ID: 410748). Advanced modeling of protein sequence and biophysical properties (such as structural, functional, and spatial information, amino acid conservation, physicochemical variation, residue mobility, and thermodynamic stability) performed at Invitae indicates that this missense variant is not expected to disrupt DIS3L2 protein function with a negative predictive value of 80%. In summary, the available evidence is currently insufficient to determine the role of this variant in disease. Therefore, it has been classified as a Variant of Uncertain Significance.

Ambry Genetics
Classification: Uncertain significance for Inborn genetic diseases. Last evaluated: 2023-03-01. Review status: criteria provided, single submitter. Criteria: Ambry Variant Classification Scheme 2023. Collection method: clinical testing. Allele origin: germline.